The following is an entry in ClinVar:

ClinVar aggregate classification (germline): Pathogenic. Review status: criteria provided, multiple submitters, no conflicts (2 of 4 stars). 13 submissions from 13 submitters: Pathogenic (12). 1 of the submissions does not count toward it. Last evaluated 2026-04-10.

Conditions:
Malaria, susceptibility to. Identifiers: Orphanet 673, MedGen C1970028, MONDO:0021024, OMIM 611162.
Hb SS disease (SCD). Also called: Sickle cell anemia; Hemoglobin SS; Sickle cell disease; HbS disease; Hemoglobin S Disease; Sickling disorder due to hemoglobin S. Identifiers: Orphanet 232, Orphanet 275752, MedGen C0002895, MONDO:0011382, OMIM 603903.
Erythrocytosis, familial, 6. Also called: ERYTHROCYTOSIS, BETA-GLOBIN TYPE; POLYCYTHEMIA, BETA-GLOBIN TYPE. Identifiers: MedGen C4693822, MONDO:0054801, OMIM 617980.
Heinz body anemia. Also called: Heinz body hemolytic anemia. Identifiers: Orphanet 178330, MedGen C0700299, MONDO:0007705, OMIM 140700, HP:0005511.
Beta-thalassemia HBB/LCRB. Identifiers: MedGen CN322236, MONDO:0013517, OMIM 613985.
Hereditary persistence of fetal hemoglobin. Identifiers: MedGen C0019025, MONDO:0020989, OMIM 141749.
METHEMOGLOBINEMIA, BETA TYPE. Also called: Methemoglobinemia, beta-globin type. Identifiers: MedGen C1840779, OMIM 617971.
Dominant beta-thalassemia. Also called: Beta-thalassemia, dominant inclusion body type. Identifiers: Orphanet 231226, Orphanet 848, MedGen C1858990, MONDO:0011381, OMIM 603902.
beta Thalassemia (BTHAL). Also called: Cooley's anemia; Erythroblastic anemia; Mediterranean anemia. Identifiers: Orphanet 848, MedGen C0005283, MONDO:0019402. Disease mechanism: loss of function.

Allele frequency attached by ClinVar (database versions not stated): gnomAD 0.00001; TOPMed below 0.00001.
gnomAD v4.1: 4 of 1,613,818 alleles (0.00025%); highest among the groups gnomAD compares: African/African-American, 0.0013%; no homozygotes.

Submissions (13):

Dasa
Classification: Pathogenic. Last evaluated: 2026-04-10. Review status: criteria provided, single submitter. Criteria: DASA Assertion Criteria. Collection method: clinical testing. Allele origin: germline.
Comment: NM_000518.5(HBB):c.48G>A (p.Trp16*) introduces a premature termination codon predicted to result in loss of normal protein function. Loss-of-function is an established mechanism of disease for this gene. This variant has been observed in affected individuals with related phenotype in a genotype context consistent with recessive disease (PMID: 28366028; PMID: 18071703; PMID: 35023007). This variant has been recurrently observed in individuals with related phenotype (PMID: 28366028; PMID: 18071703; PMID: 35023007). The variant is present at low frequency in population datasets. Based on the available data, this variant is classified as pathogenic.

Natera, Inc.
Classification: Pathogenic for Beta thalassemia. Last evaluated: 2025-10-09. Review status: criteria provided, single submitter. Criteria: Natera Variant Classification Schema (03/2026). Collection method: clinical testing. Allele origin: germline.
Comment: The c.48G>A variant in HBB is a nonsense variant predicted to introduce a stop codon at amino acid 16. This variant is expected to result in nonsense mediated decay, truncation, or a dysfunctional protein product. This variant is rare in the general population with a frequency below the threshold expected for the associated phenotype(s). This variant has been observed in one or more individuals affected with the associated recessive disease, as either homozygous or compound heterozygous with a second variant (PMID: 25707679, 33335418). Given the available evidence, this variant is classified as Pathogenic.

ARUP Laboratories, Molecular Genetics and Genomics, ARUP Laboratories
Classification: Pathogenic. Last evaluated: 2025-03-17. Review status: criteria provided, single submitter. Criteria: ARUP Molecular Germline Variant Investigation Process 2024. Collection method: clinical testing. Allele origin: germline.
Comment: The Codon 15 (G->A); TGG ->TGA variant (HBB: c.48G>A; p.Trp16Ter, also known as Trp15Ter when numbered from the mature protein, rs34716011, HbVar ID: 793) is reported in individuals with beta thalassemia (HbVar database and references therein). This variant is also reported in ClinVar (Variation ID: 38646). This variant is absent from the Genome Aggregation Database, indicating it is not a common polymorphism. Additionally, another variant at this codon (c.47G>A; p.Trp16Ter, HbVar ID: 791) has been reported in individuals with beta thalassemia and is considered pathogenic (HbVar database).This variant introduces a premature termination codon, but the mRNA is resistant to nonsense-mediated decay (Neu-Yilik 2011); thus it is predicted to result in a truncated protein. Based on available information, this variant is considered to be pathogenic. References: Link to HbVar database: Neu-Yilik G et al. Mechanism of escape from nonsense-mediated mRNA decay of human beta-globin transcripts with nonsense mutations in the first exon. RNA. 2011 May;17(5):843-54. PMID: 21389146.

Quest Diagnostics Nichols Institute San Juan Capistrano
Classification: Pathogenic. Last evaluated: 2025-01-22. Review status: criteria provided, single submitter. Criteria: Quest Diagnostics criteria. Collection method: clinical testing. Allele origin: unknown.
Comment: The HBB c.48G>A (p.Trp16*) variant (also known as CD 15 TGG>TGA) causes the premature termination of HBB protein synthesis. In the published literature, this variant has been reported in individuals with beta(0)-thalassemia (PMID: 22875618 (2013), 19488752 (2009), 1428946 (1992), and HbVar). Individuals homozygous for this variant present with severe, transfusion-dependent anemia (PMID: 1581247 (1992)). The frequency of this variant in the general population (Genome Aggregation Database) is consistent with pathogenicity. Based on the available information, this variant is classified as pathogenic.

Fulgent Genetics
Classification: Pathogenic for Heinz body anemia; Hereditary persistence of fetal hemoglobin; Dominant beta-thalassemia; Hb SS disease; Malaria, susceptibility to; Beta-thalassemia HBB/LCRB; METHEMOGLOBINEMIA, BETA TYPE; Erythrocytosis, familial, 6. Last evaluated: 2024-04-11. Review status: criteria provided, single submitter. Criteria: ACMG Guidelines, 2015. Collection method: clinical testing. Allele origin: germline.

Labcorp Genetics (formerly Invitae), Labcorp
Classification: Pathogenic. Last evaluated: 2024-02-07. Review status: criteria provided, single submitter. Criteria: Invitae Variant Classification Sherloc (09022015). Collection method: clinical testing. Allele origin: germline.
Comment: This sequence change creates a premature translational stop signal (p.Trp16*) in the HBB gene. It is expected to result in an absent or disrupted protein product. Loss-of-function variants in HBB are known to be pathogenic (PMID: 23637309). This variant is not present in population databases (gnomAD no frequency). This premature translational stop signal has been observed in individual(s) with beta thalassemia (PMID: 7668221, 19488752, 27263053). This variant is also known as Codon 15 (TGG>TGA). ClinVar contains an entry for this variant (Variation ID: 38646). Algorithms developed to predict the effect of sequence changes on RNA splicing suggest that this variant may disrupt the consensus splice site. For these reasons, this variant has been classified as Pathogenic.

GeneDx
Classification: Pathogenic. Last evaluated: 2023-09-17. Review status: criteria provided, single submitter. Criteria: GeneDx Variant Classification Process June 2021. Collection method: clinical testing. Allele origin: germline. Affected: yes.
Comment: Nonsense variant predicted to result in protein truncation or nonsense mediated decay in a gene for which loss of function is a known mechanism of disease; Not observed at significant frequency in large population cohorts (gnomAD); This variant is associated with the following publications: (PMID: 21389146, 2298457, 19488752, 23915319, 22875618, 35023007, 36074711, 35046417, 33935034, 30002798, 25341880, 6714226, 7668221, 27263053)

Genome-Nilou Lab
Classification: Pathogenic for Beta-thalassemia HBB/LCRB. Last evaluated: 2021-07-22. Review status: criteria provided, single submitter. Criteria: ACMG Guidelines, 2015. Collection method: clinical testing. Allele origin: germline. Affected: no.

Revvity Omics, Revvity
Classification: Pathogenic. Last evaluated: 2019-08-27. Review status: criteria provided, single submitter. Criteria: ACMG Guidelines, 2015. Collection method: clinical testing. Allele origin: germline.

Genomic Research Center, Shahid Beheshti University of Medical Sciences
Classification: Pathogenic for beta Thalassemia. Last evaluated: 2017-12-03. Review status: criteria provided, single submitter. Criteria: ACMG Guidelines, 2015. Collection method: clinical testing. Allele origin: inherited.

Women's Health and Genetics/Laboratory Corporation of America, LabCorp
Classification: Pathogenic for beta Thalassemia. Last evaluated: 2017-02-13. Review status: criteria provided, single submitter. Criteria: LabCorp Variant Classification Summary - May 2015. Collection method: clinical testing. Allele origin: germline.
Comment: Variant summary: The HBB c.48G>A (p.Trp16X) variant results in a premature termination codon, predicted to cause a truncated or absent HBB protein due to nonsense mediated decay, which are commonly known mechanisms for disease. Truncations downstream of this position have been classified as pathogenic by our laboratory (e.g. p.Lys18fsX2, p.Lys18X, p.Trp38fsX24). One in silico tool predicts a damaging outcome for this variant. The variant has been reported in numerous affected individuals in the literature and is absent in 121364 control chromosomes. In addition, a different variant (c.47G>A) leading to the same amino acid change has been classified as pathogenic, further supporting the pathogenic role of the variant of interest. Taken together, this variant is classified as pathogenic.

Kariminejad - Najmabadi Pathology & Genetics Center
Classification: Pathogenic for Hb SS disease. Review status: criteria provided, single submitter. Criteria: ACMG Guidelines, 2015. Collection method: clinical testing. Allele origin: germline. Affected: no.

The ITHANET community portal, The Cyprus Institute of Neurology and Genetics
Classification: Pathogenic for beta Thalassemia. Last evaluated: 2019-11-25. Review status: no assertion criteria provided. Collection method: curation. Allele origin: germline. Not counted in ClinVar's aggregate classification.

Literature cited by the submitters: PubMed 28366028 (cited by Dasa); PubMed 18071703 (cited by Dasa); PubMed 35023007 (cited by Dasa and Quest Diagnostics Nichols Institute San Juan Capistrano); PubMed 25707679 (cited by Natera, Inc.); PubMed 33335418 (cited by Natera, Inc.); PubMed 27453201 (cited by Quest Diagnostics Nichols Institute San Juan Capistrano and Women's Health and Genetics/Laboratory Corporation of America, LabCorp); PubMed 22875618 (cited by Quest Diagnostics Nichols Institute San Juan Capistrano and Women's Health and Genetics/Laboratory Corporation of America, LabCorp); PubMed 19488752 (cited by 3 submitters); PubMed 1581247 (cited by 3 submitters); PubMed 9101288 (cited by 3 submitters); PubMed 1428946 (cited by Quest Diagnostics Nichols Institute San Juan Capistrano); PubMed 6714226 (cited by Quest Diagnostics Nichols Institute San Juan Capistrano); PubMed 2298457 (cited by Quest Diagnostics Nichols Institute San Juan Capistrano); PubMed 21389146 (cited by Quest Diagnostics Nichols Institute San Juan Capistrano); PubMed 23637309 (cited by Labcorp Genetics (formerly Invitae), Labcorp); PubMed 7668221 (cited by Labcorp Genetics (formerly Invitae), Labcorp); PubMed 27263053 (cited by Labcorp Genetics (formerly Invitae), Labcorp).

NM_000518.5(HBB):c.48G>A (p.Trp16Ter)

Genes: HBB (hemoglobin subunit beta; minus strand), LOC106099062 (HBB recombination region; plus strand), LOC107133510 (origin of replication at HBB; plus strand). Cytogenetic location: 11p15.4.
Variant type: single nucleotide variant.
Coding change: c.48G>A on transcript NM_000518.5 (MANE Select); coding-DNA position 48, G replaced by A.
Protein change: p.Trp16Ter; replaces tryptophan 16 with a stop codon.
Molecular consequence: nonsense.
Genome position (GRCh38, 1-based): chr11:5,226,974, C>T on the plus strand (G>A on the coding strand, the complement: HBB is on the minus strand). VCF-style: chr11-5226974-C-T. GRCh37 (hg19) VCF-style: chr11-5248204-C-T.
Other names: CD 15 TGG>TGA; short protein forms W16*.
Identifiers: ClinVar variation 38646 (VCV000038646.114), dbSNP rs34716011, ClinGen allele CA217115390.